The following is an entry in ClinVar:

NM_138701.4(MPLKIP):c.530A>G (p.Tyr177Cys)

Gene: MPLKIP (M-phase specific PLK1 interacting protein; minus strand). Cytogenetic location: 7p14.1.
Variant type: single nucleotide variant.
Coding change: c.530A>G on transcript NM_138701.4 (MANE Select); coding-DNA position 530, A replaced by G.
Protein change: p.Tyr177Cys; replaces tyrosine 177 with cysteine.
Molecular consequence: missense variant.
Genome position (GRCh38, 1-based): chr7:40,133,069, T>C on the plus strand (A>G on the coding strand, the complement: MPLKIP is on the minus strand). VCF-style: chr7-40133069-T-C. GRCh37 (hg19) VCF-style: chr7-40172668-T-C.
Other names: short protein forms Y177C.
Identifiers: ClinVar variation 2176741 (VCV002176741.3), dbSNP rs148167676, ClinGen allele CA4229160.

ClinVar aggregate classification (germline): Uncertain significance (1 of 4 stars; one submission).

Allele frequency attached by ClinVar (database versions not stated): TOPMed 0.00001; gnomAD 0.00003; ExAC 0.00004; 1000 Genomes Project 30x 0.00016; gnomAD exomes 0.00019; 1000 Genomes Project 0.00020.

Submission:

Labcorp Genetics (formerly Invitae), Labcorp
Classification: Uncertain significance. Last evaluated: 2024-12-02. Review status: criteria provided, single submitter. Criteria: Invitae Variant Classification Sherloc (09022015). Collection method: clinical testing. Allele origin: germline.
Comment: This sequence change replaces tyrosine, which is neutral and polar, with cysteine, which is neutral and slightly polar, at codon 177 of the MPLKIP protein (p.Tyr177Cys). This variant is present in population databases (rs148167676, gnomAD 0.03%). This variant has not been reported in the literature in individuals affected with MPLKIP-related conditions. ClinVar contains an entry for this variant (Variation ID: 2176741). An algorithm developed to predict the effect of missense changes on protein structure and function (PolyPhen-2) suggests that this variant is likely to be disruptive. In summary, the available evidence is currently insufficient to determine the role of this variant in disease. Therefore, it has been classified as a Variant of Uncertain Significance.